The following is an entry in ClinVar:

ClinVar aggregate classification (germline): Uncertain significance. Review status: criteria provided, multiple submitters, no conflicts (2 of 4 stars). 2 submissions from 2 submitters: Uncertain significance (2). Last evaluated 2024-11-18.

Conditions:
Catecholaminergic polymorphic ventricular tachycardia 1. Also called: RYR2-Related Catecholaminergic Polymorphic Ventricular Tachycardia; VENTRICULAR TACHYCARDIA, CATECHOLAMINERGIC POLYMORPHIC, 1, WITH OR WITHOUT ATRIAL DYSFUNCTION AND/OR DILATED CARDIOMYOPATHY; VENTRICULAR TACHYCARDIA, STRESS-INDUCED POLYMORPHIC 1. Identifiers: Orphanet 3286, MedGen C1631597, MONDO:0011484, OMIM 604772.

Allele frequency attached by ClinVar (database versions not stated): TOPMed below 0.00001.

Submissions (2):

Labcorp Genetics (formerly Invitae), Labcorp
Classification: Uncertain significance for Catecholaminergic polymorphic ventricular tachycardia 1. Last evaluated: 2024-11-18. Review status: criteria provided, single submitter. Criteria: Invitae Variant Classification Sherloc (09022015). Collection method: clinical testing. Allele origin: germline.
Comment: This sequence change replaces phenylalanine, which is neutral and non-polar, with tyrosine, which is neutral and polar, at codon 1555 of the RYR2 protein (p.Phe1555Tyr). This variant is not present in population databases (gnomAD no frequency). This variant has not been reported in the literature in individuals affected with RYR2-related conditions. ClinVar contains an entry for this variant (Variation ID: 1320774). Invitae Evidence Modeling of protein sequence and biophysical properties (such as structural, functional, and spatial information, amino acid conservation, physicochemical variation, residue mobility, and thermodynamic stability) indicates that this missense variant is not expected to disrupt RYR2 protein function with a negative predictive value of 95%. In summary, the available evidence is currently insufficient to determine the role of this variant in disease. Therefore, it has been classified as a Variant of Uncertain Significance.

GeneDx
Classification: Uncertain significance. Last evaluated: 2019-07-08. Review status: criteria provided, single submitter. Criteria: GeneDx Variant Classification Process June 2021. Collection method: clinical testing. Allele origin: germline. Affected: yes.
Comment: Has not been previously published as pathogenic or benign to our knowledge; Not observed in large population cohorts (Lek et al., 2016); In silico analysis, which includes protein predictors and evolutionary conservation, supports that this variant does not alter protein structure/function; Is not located in one of the three hot-spot regions of the RYR2 gene, where the majority of pathogenic missense variants occur (Medeiros-Domingo et al., 2009)

NM_001035.3(RYR2):c.4664T>A (p.Phe1555Tyr)

Gene: RYR2 (ryanodine receptor 2; plus strand). Cytogenetic location: 1q43.
Variant type: single nucleotide variant.
Coding change: c.4664T>A on transcript NM_001035.3 (MANE Select); coding-DNA position 4664, T replaced by A.
Protein change: p.Phe1555Tyr; replaces phenylalanine 1555 with tyrosine.
Molecular consequence: missense variant.
Genome position (GRCh38, 1-based): chr1:237,602,092, T>A. VCF-style: chr1-237602092-T-A. GRCh37 (hg19) VCF-style: chr1-237765392-T-A.
Other names: short protein forms F1555Y.
Identifiers: ClinVar variation 1320774 (VCV001320774.5), dbSNP rs1676563735, ClinGen allele CA345401669.